The following is an entry in ClinVar:

NM_201384.3(PLEC):c.4260G>A (p.Glu1420=)

Gene: PLEC (plectin; minus strand). Cytogenetic location: 8q24.3.
Variant type: single nucleotide variant.
Coding change: c.4260G>A on transcript NM_201384.3 (MANE Select); coding-DNA position 4260, G replaced by A.
Protein change: p.Glu1420=; no amino-acid change (glutamic acid 1420 retained).
Molecular consequence: synonymous variant.
Genome position (GRCh38, 1-based): chr8:143,925,669, C>T on the plus strand (G>A on the coding strand, the complement: PLEC is on the minus strand). VCF-style: chr8-143925669-C-T. GRCh37 (hg19) VCF-style: chr8-144999837-C-T.
Other names: c.4341G>A, p.Glu1447= (NM_000445.5); c.4218G>A, p.Glu1406= (NM_201378.4); c.4194G>A, p.Glu1398= (NM_201379.3); c.4671G>A, p.Glu1557= (NM_201380.4); c.4164G>A, p.Glu1388= (NM_201381.3); c.4260G>A, p.Glu1420= (NM_201382.4); c.4272G>A, p.Glu1424= (NM_201383.3).
Identifiers: ClinVar variation 707274 (VCV000707274.12), dbSNP rs543403531, ClinGen allele CA4926719.
Genomic context (GRCh38, chr8:143,925,669, plus strand): 5'-TGCCTGCCGGGCCTTGGCCTGGATCTCCGCCTCCGAGCTCTGCCGCAGCTGCTGCAGCTC[C>T]TCCTGAATGCTGCGCTTCTGCTGCTGCGCGTCCACCGCCGCCTCCTCCCGCCGCACCACC-3'
Protein context (NP_958786.1, residues 1410-1430): DAQQQKRSIQ[Glu1420=]ELQQLRQSSE

ClinVar aggregate classification (germline): Likely benign. Review status: criteria provided, multiple submitters, no conflicts (2 of 4 stars). 3 submissions from 3 submitters: Likely benign (3). Last evaluated 2026-07-14.

Conditions:
PLEC-related disorder. Also called: PLEC-related disorders; PLEC-related condition.
Epidermolysis bullosa simplex with nail dystrophy (EBS5D). Identifiers: MedGen C4225309, MONDO:0014661, OMIM 616487.
Epidermolysis bullosa simplex 5B, with muscular dystrophy (EBS5B). Also called: Epidermolysis bullosa simplex with muscular dystrophy; EPIDERMOLYSIS BULLOSA SIMPLEX AND LIMB-GIRDLE MUSCULAR DYSTROPHY. Identifiers: Orphanet 257, MedGen C2931072, MONDO:0009181, OMIM 226670.
Autosomal recessive limb-girdle muscular dystrophy type 2Q (LGMDR17). Also called: MUSCULAR DYSTROPHY, LIMB-GIRDLE, AUTOSOMAL RECESSIVE 17. Identifiers: Orphanet 254361, MedGen C3150989, MONDO:0013390, OMIM 613723.
Epidermolysis bullosa simplex 5C, with pyloric atresia (EBS5C). Also called: PLEC-Related Epidermolysis Bullosa with Pyloric Atresia; Epidermolysis bullosa simplex with pyloric atresia; PLEC1-Related Epidermolysis Bullosa with Pyloric Atresia. Identifiers: Orphanet 158684, MedGen C2677349, MONDO:0012807, OMIM 612138.
Epidermolysis bullosa simplex, Ogna type (EBS5A). Also called: Pidermolysis bullosa simplex 5A, Ogna type; EPIDERMOLYSIS BULLOSA SIMPLEX 5A, OGNA TYPE. Identifiers: Orphanet 79401, MedGen C0432317, MONDO:0007555, OMIM 131950.

Allele frequency attached by ClinVar (database versions not stated): 1000 Genomes Project 0.00100; gnomAD exomes 0.00003 and 0.00014; gnomAD 0.00004 and 0.00008; TOPMed 0.00006; ExAC 0.00009; 1000 Genomes Project 30x 0.00078.
gnomAD v4.1: 65 of 1,590,494 alleles (0.0041%); highest among the groups gnomAD compares: East Asian, 0.12%; no homozygotes.

Submissions (3):

PreventionGenetics, part of Exact Sciences
Classification: Likely benign for PLEC-related condition. Last evaluated: 2026-07-14. Review status: criteria provided, single submitter. Criteria: ACMG Guidelines, 2015. Collection method: clinical testing. Allele origin: germline.
Comment: This variant is classified as likely benign based on ACMG/AMP sequence variant interpretation guidelines (Richards et al. 2015 PMID: 25741868, with internal and published modifications).

Labcorp Genetics (formerly Invitae), Labcorp
Classification: Likely benign for Autosomal recessive limb-girdle muscular dystrophy type 2Q; Epidermolysis bullosa simplex, Ogna type; Epidermolysis bullosa simplex with nail dystrophy; Epidermolysis bullosa simplex 5C, with pyloric atresia; Epidermolysis bullosa simplex 5B, with muscular dystrophy. Last evaluated: 2025-10-09. Review status: criteria provided, single submitter. Criteria: Invitae Variant Classification Sherloc (09022015). Collection method: clinical testing. Allele origin: germline.

Blueprint Genetics
Classification: Likely benign. Last evaluated: 2023-04-21. Review status: criteria provided, single submitter. Criteria: ACMG Guidelines, 2015. Collection method: clinical testing. Allele origin: germline.